The following is an entry in ClinVar:

NM_004304.5(ALK):c.2834_2837del (p.Asn945fs)

Gene: ALK (ALK receptor tyrosine kinase; minus strand). Cytogenetic location: 2p23.2.
Variant type: Deletion.
Coding change: c.2834_2837del on transcript NM_004304.5 (MANE Select); coding-DNA positions 2834 to 2837, 4 bases deleted (ACAA; older notation c.2834_2837delACAA).
Protein change: p.Asn945fs; shifts the reading frame from asparagine 945.
Molecular consequence: frameshift variant.
Genome position (GRCh38, 1-based): chr2:29,227,651-29,227,654, TTGT deleted on the plus strand (ACAA on the coding strand, the reverse complement: ALK is on the minus strand); deleting any 4 consecutive bases within chr2:29,227,651-29,227,657 gives the same sequence; the c. name uses the placement nearest the transcript's 3' end. VCF-style (leftmost placement, unchanged base first): chr2-29227650-ATTGT-A. GRCh37 (hg19) VCF-style: chr2-29450516-ATTGT-A.
Other names: short protein forms N945fs.
Identifiers: ClinVar variation 470809 (VCV000470809.7), dbSNP rs1239836109, ClinGen allele CA425436178.
Genomic context (GRCh38, chr2:29,227,650, plus strand): 5'-GTACAGGATGCCCAGTGGACTGATGAAGGAAACCCCATCTTCCCCATCCATTTCGGGGTC[ATTGT>A]TTGAGGCTGCATTGCCGCCTGAGTAGCAAACCAGAGCAGAGTTTAACATGGGGGGTGGGT-3'

ClinVar aggregate classification (germline): Uncertain significance. Review status: criteria provided, multiple submitters, no conflicts (2 of 4 stars). 2 submissions from 2 submitters: Uncertain significance (2). Last evaluated 2025-12-09.

Conditions:
Hereditary cancer-predisposing syndrome. Also called: Hereditary neoplastic syndrome; Neoplastic Syndromes, Hereditary; Tumor predisposition; Hereditary Cancer Syndrome. Identifiers: Orphanet 140162, MedGen C0027672, MeSH D009386, MONDO:0015356.
Neuroblastoma, susceptibility to, 3. Also called: ALK-Related Neuroblastic Tumor Susceptibility. Identifiers: Orphanet 635, MedGen C2751681, MONDO:0013083, OMIM 613014.

Submissions (2):

Labcorp Genetics (formerly Invitae), Labcorp
Classification: Uncertain significance for Neuroblastoma, susceptibility to, 3. Last evaluated: 2025-12-09. Review status: criteria provided, single submitter. Criteria: Invitae Variant Classification Sherloc (09022015). Collection method: clinical testing. Allele origin: germline.
Comment: This sequence change creates a premature translational stop signal (p.Asn945Metfs*25) in the ALK gene. It is expected to result in an absent or disrupted protein product. However, the current clinical and genetic evidence is not sufficient to establish whether loss-of-function variants in ALK cause disease. This variant is present in population databases (no rsID available, gnomAD 0.006%). This variant has not been reported in the literature in individuals affected with ALK-related conditions. ClinVar contains an entry for this variant (Variation ID: 470809). In summary, the available evidence is currently insufficient to determine the role of this variant in disease. Therefore, it has been classified as a Variant of Uncertain Significance.

Ambry Genetics
Classification: Uncertain significance for Hereditary cancer-predisposing syndrome. Last evaluated: 2025-08-08. Review status: criteria provided, single submitter. Criteria: Ambry Variant Classification Scheme 2023. Collection method: clinical testing. Allele origin: germline.
Comment: The c.2834_2837delACAA variant, located in coding exon 17 of the ALK gene, results from a deletion of 4 nucleotides at nucleotide positions 2834 to 2837, causing a translational frameshift with a predicted alternate stop codon (p.N945Mfs*25). This alteration is expected to result in protein truncation or nonsense-mediated mRNA decay. However, loss of function of ALK has not been established as a mechanism of disease. Based on the available evidence, the clinical significance of this alteration remains unclear.